The following continues an entry in ClinVar:

NM_004004.6(GJB2):c.416G>A (p.Ser139Asn)

Gene: GJB2. ClinVar aggregate classification (germline): Pathogenic/Likely pathogenic. Pathogenic (25); Likely pathogenic (4).

Submissions 18 to 35 of 35:

Myriad Genetics, Inc.
Classification: Likely pathogenic for Autosomal recessive nonsyndromic hearing loss 1A. Last evaluated: 2019-12-17. Review status: criteria provided, single submitter. Criteria: Myriad Women's Health Autosomal Recessive and X-Linked Classification Criteria (2019). Collection method: clinical testing. Allele origin: unknown.
Comment: NM_004004.5(GJB2):c.416G>A(S139N) is classified as likely pathogenic in the context of GJB2-related DFNB1 nonsyndromic hearing loss and deafness. Sources cited for classification include the following: PMID 11493200, 21465647, 25266519, 16950989, 22695344, 20234132, 17041943, 24529908, 12910486 and 12925341. Classification of NM_004004.5(GJB2):c.416G>A(S139N) is based on the following criteria: This variant has been observed more frequently in patients with clinical diagnoses than in healthy populations. Please note: this variant was assessed in the context of healthy population screening.

Cambridge Genomics Laboratory, East Genomic Laboratory Hub, NHS Genomic Medicine Service
Classification: Pathogenic for Intellectual disability. Last evaluated: 2019-10-18. Review status: criteria provided, single submitter. Criteria: ACGS Best Practice Guidelines for Variant Classification in Rare Disease 2020. Collection method: clinical testing. Allele origin: germline. Affected: yes. Observed: 1 variant allele.

CeGaT Center for Human Genetics Tuebingen
Classification: Pathogenic. Last evaluated: 2019-04-01. Review status: criteria provided, single submitter. Criteria: CeGaT Center For Human Genetics Tuebingen Variant Classification Criteria Version 2. Collection method: clinical testing. Allele origin: germline. Affected: yes. Observed: 3 variant alleles.

Laboratory for Molecular Medicine, Mass General Brigham Personalized Medicine
Classification: Pathogenic for Rare genetic deafness. Last evaluated: 2019-01-31. Review status: criteria provided, single submitter. Criteria: LMM Criteria. Collection method: clinical testing. Allele origin: germline. Inheritance: Autosomal recessive inheritance. Observed: 5 variant alleles.
Comment: The p.Ser139Asn variant in GJB2 has been reported in at least 10 individuals with hearing loss, at least 7 of whom were homozygous or compound heterozygous (Marlin 2001, Azaiez 2004, Santos 2005, Rikkert 2005, Tang 2006, Dai 2009, Dodson 2011, Li 2014, Bonyadi 2014, Xing 2016, Plevova 2018). Additionally, this variant segregated with disease in one affected relative from one family (Santos 2005). In vitro functional studies support that the p.Ser139Asn variant impacts protein function (Fleishman 2006). Although this variant has been identified in 0.058% (75/128800) of European chromosomes by gnomAD, its frequency is low enough to be consistent with a recessive carrier frequency. In summary, this variant meets criteria to be classified as pathogenic for autosomal recessive hearing loss. ACMG/AMP criteria applied: PM3_VeryStrong, PP1, PP3, PM2_Supporting, PS3_Supporting.

Illumina Laboratory Services, Illumina
Classification: Pathogenic for Autosomal recessive nonsyndromic hearing loss 1A. Last evaluated: 2018-10-22. Review status: criteria provided, single submitter. Criteria: ICSL Variant Classification Criteria 09 May 2019. Collection method: clinical testing. Allele origin: germline.
Comment: Across a selection of the available literature, the c.416G>A (p.Ser139Asn) missense variant has been identified in 13 individuals affected with hearing loss including eight compound heterozygotes (including two siblings), at least five of whom carried another known pathogenic variant in trans and at least six heterozygotes (Marlin et al. 2001; Azaiez et al. 2004; Santos et al. 2005; Snoeckx et al. 2005; Tang et al. 2006; Dai et al. 2009; Dodson et al. 2011; Bonyadi et al. 2014). The p.Ser139Asn variant was absent from 761 controls and is reported at a frequency of 0.00081 in the European American population of the Exome Sequencing Project. Functional studies in HeLa cells transfected with the variant protein showed the p.Ser139Asn variant leads to mislocalization of the protein compared to wild type (Fleishman et al. 2006). Based on the collective evidence, the p.Ser139Asn variant is classified as pathogenic for autosomal recessive non-syndromic hearing loss. This variant was observed by ICSL as part of a predisposition screen in an ostensibly healthy population.

Fulgent Genetics
Classification: Pathogenic for Mutilating keratoderma; Autosomal dominant keratitis-ichthyosis-hearing loss syndrome; Palmoplantar keratoderma-deafness syndrome; Knuckle pads, deafness AND leukonychia syndrome; Autosomal recessive nonsyndromic hearing loss 1A; X-linked mixed hearing loss with perilymphatic gusher; Autosomal dominant nonsyndromic hearing loss 3A. Last evaluated: 2017-05-18. Review status: criteria provided, single submitter. Criteria: ACMG Guidelines, 2015. Collection method: clinical testing. Allele origin: unknown.

Genomic Diagnostic Laboratory, Division of Genomic Diagnostics, Children's Hospital of Philadelphia
Classification: Pathogenic for Deafness, autosomal recessive 1A. Last evaluated: 2017-05-09. Review status: criteria provided, single submitter. Criteria: DGD Variant Analysis Guidelines. Collection method: clinical testing. Allele origin: germline. Affected: yes. Observed: 2 variant alleles.

Knight Diagnostic Laboratories, Oregon Health and Sciences University
Classification: Likely pathogenic for Autosomal recessive nonsyndromic hearing loss 1A. Last evaluated: 2016-01-27. Review status: criteria provided, single submitter. Criteria: ACMG Guidelines, 2015. Collection method: clinical testing. Allele origin: germline. Affected: no. Study: CSER-NextGen.
Comment: The c.416G>A (p.Ser139Asn) missense variant in the GJB2 gene has been previously reported in at least nine individuals with autosomal recessive Nonsyndromic hearing loss and deafness. This c.416G>A variant has been observed in trans with the well-known 35delG variant in an affected individual (Marlin et al., 2001). An in vitro functional study showed this variant affects localization of the protein (Fleishman et al., 2006). The c.229C>T variant has been reported at low frequency in the c population databases (Exome Sequencing Project [ESP] = 0.0.081%, 1000 Genomes = 0.2%, and ExAC = 0.051%). Multiple in silico algorithms predict this variant to have a deleterious effect (GERP = 5.47; CADD = 24.9; PROVEAN = -2.62), and multiple reputable diagnostic laboratories report this variant as pathogenic. Therefore, this collective evidence supports the classification of the c.416G>A (p.Ser139Asn) as a recessive Likely Pathogenic variant for Nonsyndromic hearing loss and deafness.

Eurofins Ntd Llc (ga)
Classification: Likely pathogenic. Last evaluated: 2015-10-12. Review status: criteria provided, single submitter. Criteria: EGL Classification Definitions 2015. Collection method: clinical testing. Allele origin: germline. Observed: 5 variant alleles, 5 heterozygotes.

Genetic Services Laboratory, University of Chicago
Classification: Pathogenic for Hearing impairment. Last evaluated: 2013-02-08. Review status: criteria provided, single submitter. Criteria: ACMG Guidelines, 2007. Collection method: clinical testing. Allele origin: germline. Inheritance: Autosomal recessive inheritance. Affected: yes.

Baylor Genetics
Classification: Pathogenic for Autosomal recessive nonsyndromic hearing loss 1A; Autosomal recessive nonsyndromic hearing loss 1B. Review status: criteria provided, single submitter. Criteria: ACMG Guidelines, 2015. Collection method: clinical testing. Allele origin: germline.

Juno Genomics, Hangzhou Juno Genomics, Inc
Classification: Pathogenic for Autosomal recessive nonsyndromic hearing loss 1A. Review status: criteria provided, single submitter. Criteria: ACMG Guidelines, 2015. Collection method: clinical testing. Allele origin: germline.
Comment: For recessive disorders, detected in trans with a pathogenic variant.;Co-segregation with disease in multiple affected family members.;Well-established in vitro or in vivo functional studies supportive of a damaging effect on the gene or gene product.

Center for Molecular Medicine, Children’s Hospital of Fudan University
Classification: Likely pathogenic for Autosomal recessive nonsyndromic hearing loss 1A. Last evaluated: 2022-02-08. Review status: no assertion criteria provided. Collection method: clinical testing. Allele origin: paternal. Affected: yes. Not counted in ClinVar's aggregate classification.

Counsyl
Classification: Likely pathogenic for Autosomal dominant nonsyndromic hearing loss 3A. Last evaluated: 2016-06-23. Review status: no assertion criteria provided. Collection method: clinical testing. Allele origin: unknown. Not counted in ClinVar's aggregate classification.

Clinical Molecular Genetics Laboratory, Johns Hopkins All Children's Hospital
Classification: Pathogenic for Hearing loss. Last evaluated: 2009-07-31. Review status: no assertion criteria provided. Collection method: clinical testing. Allele origin: germline. Affected: yes. Not counted in ClinVar's aggregate classification.

Clinical Genetics DNA and cytogenetics Diagnostics Lab, Erasmus MC, Erasmus Medical Center
Classification: Likely pathogenic. Review status: no assertion criteria provided. Collection method: clinical testing. Allele origin: germline. Affected: yes. Study: VKGL Data-share Consensus. Not counted in ClinVar's aggregate classification.

Diagnostic Laboratory, Department of Genetics, University Medical Center Groningen
Classification: Likely pathogenic. Review status: no assertion criteria provided. Collection method: clinical testing. Allele origin: germline. Affected: yes. Study: VKGL Data-share Consensus. Not counted in ClinVar's aggregate classification.

Joint Genome Diagnostic Labs from Nijmegen and Maastricht, Radboudumc and MUMC+
Classification: Likely pathogenic. Review status: no assertion criteria provided. Collection method: clinical testing. Allele origin: germline. Affected: yes. Study: VKGL Data-share Consensus. Not counted in ClinVar's aggregate classification.

Literature cited by the submitters: PubMed 27792752 (cited by Department of Otolaryngology Head and Neck Surgery, Hainan Hospital of the Chinese People’s Liberation Army General Hospital and Athena Diagnostics); PubMed 16864573 (cited by 9 submitters); PubMed 11493200 (cited by 10 submitters); PubMed 12172394 (cited by 3 submitters); PubMed 16380907 (cited by 5 submitters); PubMed 17041943 (cited by 6 submitters); PubMed 21465647 (cited by 8 submitters); PubMed 27785406 (cited by Labcorp Genetics (formerly Invitae), Labcorp and Laboratory for Molecular Medicine, Mass General Brigham Personalized Medicine); PubMed 20154630 (cited by Natera, Inc.); PubMed 30344259 (cited by 3 submitters); PubMed 31160754 (cited by Variantyx, Inc. and Victorian Clinical Genetics Services, Murdoch Childrens Research Institute); PubMed 28428247 (cited by Victorian Clinical Genetics Services, Murdoch Childrens Research Institute); PubMed 12792423 (cited by Victorian Clinical Genetics Services, Murdoch Childrens Research Institute); PubMed 20301449 (cited by Victorian Clinical Genetics Services, Murdoch Childrens Research Institute); PubMed 15365987 (cited by 4 submitters); PubMed 19366456 (cited by 4 submitters); PubMed 17666888 (cited by Women's Health and Genetics/Laboratory Corporation of America, LabCorp); PubMed 22695344 (cited by 4 submitters); PubMed 24529908 (cited by 5 submitters); PubMed 25266519 (cited by 5 submitters); PubMed 15656949 (cited by 4 submitters); PubMed 26778469 (cited by Women's Health and Genetics/Laboratory Corporation of America, LabCorp); PubMed 20981092 (cited by Athena Diagnostics); PubMed 22995991 (cited by Athena Diagnostics); PubMed 25087612 (cited by Athena Diagnostics); PubMed 25388846 (cited by Athena Diagnostics); PubMed 27153395 (cited by Athena Diagnostics); PubMed 21162657 (cited by Athena Diagnostics); PubMed 19173109 (cited by Athena Diagnostics); PubMed 16950989 (cited by Myriad Genetics, Inc. and Counsyl); PubMed 20234132 (cited by Myriad Genetics, Inc. and Counsyl); PubMed 12910486 (cited by Myriad Genetics, Inc. and Counsyl); PubMed 12925341 (cited by Myriad Genetics, Inc. and Counsyl).